The following is an entry in ClinVar:

ClinVar aggregate classification (germline): Uncertain significance (1 of 4 stars; one submission).

Conditions:
Early-infantile DEE. Also called: Early infantile epileptic encephalopathy; Ohtahara syndrome; Early infantile epileptic encephalopathy with suppression bursts. Identifiers: Orphanet 1934, MedGen C0393706, MONDO:0800491.

gnomAD v4.1: 1 of 1,613,870 alleles (0.000062%); highest among the groups gnomAD compares: Admixed American, 0.0017%; no homozygotes.

Submission:

Labcorp Genetics (formerly Invitae), Labcorp
Classification: Uncertain significance for Early-infantile DEE. Last evaluated: 2023-07-26. Review status: criteria provided, single submitter. Criteria: Invitae Variant Classification Sherloc (09022015). Collection method: clinical testing. Allele origin: germline.
Comment: This variant has not been reported in the literature in individuals affected with SCN8A-related conditions. This variant is present in population databases (no rsID available, gnomAD 0.003%). This sequence change replaces lysine, which is basic and polar, with isoleucine, which is neutral and non-polar, at codon 725 of the SCN8A protein (p.Lys725Ile). Advanced modeling of protein sequence and biophysical properties (such as structural, functional, and spatial information, amino acid conservation, physicochemical variation, residue mobility, and thermodynamic stability) performed at Invitae indicates that this missense variant is expected to disrupt SCN8A protein function. In summary, the available evidence is currently insufficient to determine the role of this variant in disease. Therefore, it has been classified as a Variant of Uncertain Significance.

NM_001330260.2(SCN8A):c.2174A>T (p.Lys725Ile)

Gene: SCN8A (sodium voltage-gated channel alpha subunit 8; plus strand). Cytogenetic location: 12q13.13.
Variant type: single nucleotide variant.
Coding change: c.2174A>T on transcript NM_001330260.2 (MANE Select); coding-DNA position 2174, A replaced by T.
Protein change: p.Lys725Ile; replaces lysine 725 with isoleucine.
Molecular consequence: missense variant.
Genome position (GRCh38, 1-based): chr12:51,751,397, A>T. VCF-style: chr12-51751397-A-T. GRCh37 (hg19) VCF-style: chr12-52145181-A-T.
Other names: c.2174A>T, p.Lys725Ile (NM_001177984.3, NM_001369788.1, NM_014191.4); short protein forms K725I.
Identifiers: ClinVar variation 2905879 (VCV002905879.3), dbSNP rs1382581428, ClinGen allele CA384879779.
Genomic context (GRCh38, chr12:51,751,397, plus strand): 5'-TGTTCTTACTTACTGTAGAACTGGAAGAGTCTCAGAGAAAGTGCCCGCCATGCTGGTATA[A>T]ATTTGCCAACACTTTCCTCATCTGGGAGTGCCACCCCTACTGGATAAAACTGAAAGAGAT-3'
Protein context (NP_001317189.1, residues 715-735): SQRKCPPCWY[Lys725Ile]FANTFLIWEC